The following is an entry in ClinVar:

ClinVar aggregate classification (germline): Pathogenic. Review status: criteria provided, multiple submitters, no conflicts (2 of 4 stars). 5 submissions from 5 submitters: Pathogenic (5). Last evaluated 2025-03-04.

Conditions:
Wilson disease (WND). Also called: Wilson's disease. Identifiers: Orphanet 905, MedGen C0019202, MONDO:0010200, OMIM 277900. Disease mechanism: loss of function.
Inborn genetic diseases. Identifiers: MedGen C0950123, MeSH D030342.

Allele frequency attached by ClinVar (database versions not stated): ExAC 0.00001; gnomAD exomes 0.00001.
gnomAD v4.1: 3 of 1,614,168 alleles (0.00019%); highest among the groups gnomAD compares: South Asian, 0.0022%; no homozygotes.

Submissions (5):

Labcorp Genetics (formerly Invitae), Labcorp
Classification: Pathogenic for Wilson disease. Last evaluated: 2025-03-04. Review status: criteria provided, single submitter. Criteria: Invitae Variant Classification Sherloc (09022015). Collection method: clinical testing. Allele origin: germline.
Comment: This sequence change creates a premature translational stop signal (p.Leu936*) in the ATP7B gene. It is expected to result in an absent or disrupted protein product. Loss-of-function variants in ATP7B are known to be pathogenic (PMID: 10441329, 16283883). This variant is present in population databases (rs776002066, gnomAD 0.003%). This premature translational stop signal has been observed in individual(s) with Wilson disease (PMID: 7626145, 25617204). This variant is also known as Leu937*. ClinVar contains an entry for this variant (Variation ID: 1448854). Algorithms developed to predict the effect of sequence changes on RNA splicing suggest that this variant may disrupt the consensus splice site. For these reasons, this variant has been classified as Pathogenic.

Fulgent Genetics
Classification: Pathogenic for Wilson disease. Last evaluated: 2023-12-28. Review status: criteria provided, single submitter. Criteria: ACMG Guidelines, 2015. Collection method: clinical testing. Allele origin: germline.

Baylor Genetics
Classification: Pathogenic for Wilson disease. Last evaluated: 2023-08-05. Review status: criteria provided, single submitter. Criteria: ACMG Guidelines, 2015. Collection method: clinical testing. Allele origin: unknown.

Laboratory for Molecular Medicine, Mass General Brigham Personalized Medicine
Classification: Pathogenic for Wilson disease. Last evaluated: 2022-11-03. Review status: criteria provided, single submitter. Criteria: ACMG Guidelines, 2015. Collection method: clinical testing. Allele origin: germline.
Comment: The p.Leu936X variant in ATP7B has been reported in at least 3 individuals with Wilson disease (at least 1 compound heterozygous)(Thomas 1995 PMID: 7626145, Ivanova 2015 PMID: 25617204). This variant has been reported in ClinVar (Variation ID 1448854) and was absent from large population studies. This nonsense variant leads to a premature termination codon at position 936, which is predicted to lead to a truncated or absent protein. Loss of function of the ATP7B gene is an established disease mechanism in autosomal recessive Wilson disease. In summary, , this variant meets criteria to be classified as pathogenic for autosomal recessive Wilson disease. ACMG/AMP Criteria applied: PVS1, PM2_Supporting, PM3_Supporting.

Ambry Genetics
Classification: Pathogenic for Inborn genetic diseases. Last evaluated: 2017-11-28. Review status: criteria provided, single submitter. Criteria: Ambry Variant Classification Scheme 2023. Collection method: clinical testing. Allele origin: germline.
Comment: The p.L936* pathogenic mutation (also known as c.2807T>A), located in coding exon 12 of the ATP7B gene, results from a T to A substitution at nucleotide position 2807. This changes the amino acid from a leucine to a stop codon within coding exon 12. This mutation has been identified in multiple individuals with Wilson disease, in both the homozygous and compound heterozygous state (Thomas GR et al. Nat. Genet., 1995 Feb;9:210-7; Loudianos G et al. Eur. J. Hum. Genet., 1998 Sep-Oct;6:487-91; Butler P et al. Mol. Genet. Metab., 2001 Mar;72:223-30; Panagiotakaki E et al. Am. J. Med. Genet. A, 2004 Dec;131:168-73; Lepori MB et al. Mol. Cell. Probes, 2012 Aug;26:147-50; Simsek Papur O et al. Eur J Med Genet, 2013 Apr;56:175-9). In addition to the clinical data presented in the literature, this alteration is expected to result in loss of function by premature protein truncation or nonsense-mediated mRNA decay. As such, this alteration is interpreted as a disease-causing mutation.

Literature cited by the submitters: PubMed 10441329 (cited by Labcorp Genetics (formerly Invitae), Labcorp); PubMed 16283883 (cited by Labcorp Genetics (formerly Invitae), Labcorp); PubMed 7626145 (cited by Labcorp Genetics (formerly Invitae), Labcorp and Ambry Genetics); PubMed 25617204 (cited by Labcorp Genetics (formerly Invitae), Labcorp); PubMed 11243728 (cited by Ambry Genetics); PubMed 15523622 (cited by Ambry Genetics); PubMed 22484412 (cited by Ambry Genetics); PubMed 23333878 (cited by Ambry Genetics); PubMed 9801873 (cited by Ambry Genetics).

NM_000053.4(ATP7B):c.2807T>A (p.Leu936Ter)

Gene: ATP7B (ATPase copper transporting beta; minus strand). Cytogenetic location: 13q14.3.
Variant type: single nucleotide variant.
Coding change: c.2807T>A on transcript NM_000053.4 (MANE Select); coding-DNA position 2807, T replaced by A.
Protein change: p.Leu936Ter; replaces leucine 936 with a stop codon.
Molecular consequence: nonsense. On other transcripts: intron variant (1).
Genome position (GRCh38, 1-based): chr13:51,949,720, A>T on the plus strand (T>A on the coding strand, the complement: ATP7B is on the minus strand). VCF-style: chr13-51949720-A-T. GRCh37 (hg19) VCF-style: chr13-52523856-A-T.
Other names: c.2474T>A, p.Leu825Ter (NM_001243182.2); c.2573T>A, p.Leu858Ter (NM_001330578.2); c.2555T>A, p.Leu852Ter (NM_001330579.2); c.2244+287T>A (NM_001005918.3); short protein forms L858*, L936*, L852*, L825*.
Identifiers: ClinVar variation 1448854 (VCV001448854.13), dbSNP rs776002066, ClinGen allele CA6988905.
Genomic context (GRCh38, chr13:51,949,720, plus strand): 5'-ACAGGAAAGTATCTCTGAACAACACCAAAATCGATAAAACCGATTACAATCCATACCACC[A>T]ACGTCAAAGTTGACATGATGATGATAAATGGGACAAAATATCCACTAAACCGGTCAGCCA-3'